The following is an entry in ClinVar:

ClinVar aggregate classification (germline): Uncertain significance (1 of 4 stars; one submission).

Conditions:
Long QT syndrome (LQTS). Identifiers: MedGen C0023976, MeSH D008133, MONDO:0002442. Disease mechanism: loss of function. Inheritance: Various modes of inheritance.

Submission:

Labcorp Genetics (formerly Invitae), Labcorp
Classification: Uncertain significance for Long QT syndrome. Last evaluated: 2019-08-06. Review status: criteria provided, single submitter. Criteria: Invitae Variant Classification Sherloc (09022015). Collection method: clinical testing. Allele origin: germline.
Comment: This variant is a gross duplication of the genomic region encompassing exons 44-47 of the CACNA1C gene. The 5' boundary is likely confined to intron 43. The 3' end of this event is unknown as it extends beyond the assayed region for this gene and therefore may encompass additional genes. This variant is not present in population databases and has not been reported in the literature in individuals with a CACNA1C-related disease. Experimental studies and prediction algorithms are not available for this variant, and the functional significance of the duplicated amino acids is currently unknown. In summary, the exact genomic location of this variant is unknown and the impact of this duplication on CACNA1C protein function has not been established. Therefore, it has been classified as a Variant of Uncertain Significance.

NC_000012.12:g.(?_2685726)_(2691209_?)dup

Gene: CACNA1C (calcium voltage-gated channel subunit alpha1 C; plus strand). Cytogenetic location: 12p13.33.
Variant type: Duplication.
Identifiers: ClinVar variation 833122 (VCV000833122.1).